The following is an entry in ClinVar:

NM_004612.4(TGFBR1):c.1138G>C (p.Ala380Pro)

Gene: TGFBR1 (transforming growth factor beta receptor 1; plus strand). Cytogenetic location: 9q22.33.
Variant type: single nucleotide variant.
Coding change: c.1138G>C on transcript NM_004612.4 (MANE Select); coding-DNA position 1138, G replaced by C.
Protein change: p.Ala380Pro; replaces alanine 380 with proline.
Molecular consequence: missense variant.
Genome position (GRCh38, 1-based): chr9:99,146,492, G>C. VCF-style: chr9-99146492-G-C. GRCh37 (hg19) VCF-style: chr9-101908774-G-C.
Other names: c.1138G>C (NM_004612.2); c.907G>C, p.Ala303Pro (NM_001130916.3); c.1150G>C, p.Ala384Pro (NM_001306210.2); short protein forms A384P, A380P, A303P.
Identifiers: ClinVar variation 1471791 (VCV001471791.7), dbSNP rs746666082, ClinGen allele CA374232606.

ClinVar aggregate classification (germline): Uncertain significance. Review status: criteria provided, multiple submitters, no conflicts (2 of 4 stars). 2 submissions from 2 submitters: Uncertain significance (2). Last evaluated 2023-12-06.

Conditions:
Familial thoracic aortic aneurysm and aortic dissection (TAAD). Also called: Thoracic aortic aneurysms and dissections. Identifiers: Orphanet 91387, MedGen C4707243, MONDO:0019625.

Allele frequency attached by ClinVar (database versions not stated): gnomAD exomes 0.00001.
gnomAD v4.1: 2 of 1,613,744 alleles (0.00012%); highest among the groups gnomAD compares: Non-Finnish European, 0.000085%; no homozygotes.

Submissions (2):

Labcorp Genetics (formerly Invitae), Labcorp
Classification: Uncertain significance for Familial thoracic aortic aneurysm and aortic dissection. Last evaluated: 2023-12-06. Review status: criteria provided, single submitter. Criteria: Invitae Variant Classification Sherloc (09022015). Collection method: clinical testing. Allele origin: germline.
Comment: This sequence change replaces alanine, which is neutral and non-polar, with proline, which is neutral and non-polar, at codon 380 of the TGFBR1 protein (p.Ala380Pro). This variant is present in population databases (no rsID available, gnomAD 0.003%). This variant has not been reported in the literature in individuals affected with TGFBR1-related conditions. ClinVar contains an entry for this variant (Variation ID: 1471791). Advanced modeling of protein sequence and biophysical properties (such as structural, functional, and spatial information, amino acid conservation, physicochemical variation, residue mobility, and thermodynamic stability) performed at Invitae indicates that this missense variant is not expected to disrupt TGFBR1 protein function with a negative predictive value of 80%. In summary, the available evidence is currently insufficient to determine the role of this variant in disease. Therefore, it has been classified as a Variant of Uncertain Significance.

Ambry Genetics
Classification: Uncertain significance for Familial thoracic aortic aneurysm and aortic dissection. Last evaluated: 2023-02-28. Review status: criteria provided, single submitter. Criteria: Ambry Variant Classification Scheme 2023. Collection method: clinical testing. Allele origin: germline.